The following is an entry in ClinVar:

NM_001365276.2(TNXB):c.9727G>A (p.Val3243Met)

Gene: TNXB (tenascin XB; minus strand). Cytogenetic location: 6p21.33.
Variant type: single nucleotide variant.
Coding change: c.9727G>A on transcript NM_001365276.2 (MANE Select); coding-DNA position 9727, G replaced by A.
Protein change: p.Val3243Met; replaces valine 3243 with methionine.
Molecular consequence: missense variant.
Genome position (GRCh38, 1-based): chr6:32,049,300, C>T on the plus strand (G>A on the coding strand, the complement: TNXB is on the minus strand). VCF-style: chr6-32049300-C-T. GRCh37 (hg19) VCF-style: chr6-32017077-C-T.
Other names: c.9721G>A, p.Val3241Met (NM_019105.8); short protein forms V3243M, V3241M.
Identifiers: ClinVar variation 870831 (VCV000870831.44), dbSNP rs770130227, ClinGen allele CA3733431.

ClinVar aggregate classification (germline): Uncertain significance. Review status: criteria provided, multiple submitters, no conflicts (2 of 4 stars). 2 submissions from 2 submitters: Uncertain significance (2). Last evaluated 2024-08-16.

Conditions:
Cardiovascular phenotype. Identifiers: MedGen CN230736.

Allele frequency attached by ClinVar (database versions not stated): gnomAD exomes 0.00001 and 0.00002; ExAC 0.00004; gnomAD 0.00004 and 0.00005; TOPMed 0.00004.
gnomAD v4.1: 31 of 1,611,982 alleles (0.0019%); highest among the groups gnomAD compares: African/African-American, 0.0093%; no homozygotes.

Submissions (2):

Ambry Genetics
Classification: Uncertain significance for Cardiovascular phenotype. Last evaluated: 2024-08-16. Review status: criteria provided, single submitter. Criteria: Ambry Variant Classification Scheme 2023. Collection method: clinical testing. Allele origin: germline.
Comment: The p.V3241M variant (also known as c.9721G>A), located in coding exon 27 of the TNXB gene, results from a G to A substitution at nucleotide position 9721. The valine at codon 3241 is replaced by methionine, an amino acid with highly similar properties. This amino acid position is conserved. In addition, this alteration is predicted to be tolerated by in silico analysis. Since supporting evidence is limited at this time, the clinical significance of this alteration remains unclear.

CeGaT Center for Human Genetics Tuebingen
Classification: Uncertain significance. Last evaluated: 2019-07-01. Review status: criteria provided, single submitter. Criteria: CeGaT Center For Human Genetics Tuebingen Variant Classification Criteria Version 2. Collection method: clinical testing. Allele origin: germline. Affected: yes. Observed: 1 variant allele.